The following is an entry in ClinVar:

ClinVar aggregate classification (germline): Uncertain significance. Review status: criteria provided, multiple submitters, no conflicts (2 of 4 stars). 2 submissions from 2 submitters: Uncertain significance (2). Last evaluated 2023-07-05.

Conditions:
Familial hypocalciuric hypercalcemia (FHH). Also called: Familial benign hypercalcemia. Identifiers: Orphanet 405, MedGen C1809471, MONDO:0018458.
Autosomal dominant hypocalcemia 1 (HYPOC1). Also called: HYPOCALCEMIA, FAMILIAL. Identifiers: MedGen C3715128, MONDO:0011013, OMIM 601198.
Nephrolithiasis/nephrocalcinosis. Identifiers: MedGen CN580796.

Allele frequency attached by ClinVar (database versions not stated): gnomAD exomes below 0.00001.
gnomAD v4.1: 3 of 1,614,036 alleles (0.00019%); highest among the groups gnomAD compares: Non-Finnish European, 0.00025%; no homozygotes.

Submissions (2):

Ambry Genetics
Classification: Uncertain significance for Nephrolithiasis/nephrocalcinosis. Last evaluated: 2023-07-05. Review status: criteria provided, single submitter. Criteria: Ambry Variant Classification Scheme 2023. Collection method: clinical testing. Allele origin: germline.
Comment: The p.S750R variant (also known as c.2250C>A), located in coding exon 6 of the CASR gene, results from a C to A substitution at nucleotide position 2250. The serine at codon 750 is replaced by arginine, an amino acid with dissimilar properties. This amino acid position is conserved. In addition, this alteration is predicted to be deleterious by in silico analysis. Since supporting evidence is limited at this time, the clinical significance of this alteration remains unclear.

Labcorp Genetics (formerly Invitae), Labcorp
Classification: Uncertain significance for Familial hypocalciuric hypercalcemia; Autosomal dominant hypocalcemia 1. Last evaluated: 2019-07-23. Review status: criteria provided, single submitter. Criteria: Invitae Variant Classification Sherloc (09022015). Collection method: clinical testing. Allele origin: germline.
Comment: In summary, the available evidence is currently insufficient to determine the role of this variant in disease. Therefore, it has been classified as a Variant of Uncertain Significance. Algorithms developed to predict the effect of missense changes on protein structure and function (SIFT, PolyPhen-2, Align-GVGD) all suggest that this variant is likely to be disruptive, but these predictions have not been confirmed by published functional studies and their clinical significance is uncertain. This variant has not been reported in the literature in individuals with CASR-related conditions. This variant is not present in population databases (ExAC no frequency). This sequence change replaces serine with arginine at codon 750 of the CASR protein (p.Ser750Arg). The serine residue is highly conserved and there is a moderate physicochemical difference between serine and arginine.

NM_000388.4(CASR):c.2250C>A (p.Ser750Arg)

Gene: CASR (calcium sensing receptor; plus strand). Cytogenetic location: 3q21.1.
Variant type: single nucleotide variant.
Coding change: c.2250C>A on transcript NM_000388.4 (MANE Select); coding-DNA position 2250, C replaced by A.
Protein change: p.Ser750Arg; replaces serine 750 with arginine.
Molecular consequence: missense variant.
Genome position (GRCh38, 1-based): chr3:122,284,204, C>A. VCF-style: chr3-122284204-C-A. GRCh37 (hg19) VCF-style: chr3-122003051-C-A.
Other names: c.2280C>A, p.Ser760Arg (NM_001178065.2); short protein forms S750R, S760R.
Identifiers: ClinVar variation 946068 (VCV000946068.11), dbSNP rs1559968879, ClinGen allele CA354159181.